The following is an entry in ClinVar:

NM_014974.3(DIP2C):c.970C>T (p.Leu324=)

Gene: DIP2C (DIP2 acetate--CoA ligase C (putative); minus strand). Cytogenetic location: 10p15.3.
Variant type: single nucleotide variant.
Coding change: c.970C>T on transcript NM_014974.3 (MANE Select); coding-DNA position 970, C replaced by T.
Protein change: p.Leu324=; no amino-acid change (leucine 324 retained).
Molecular consequence: synonymous variant.
Genome position (GRCh38, 1-based): chr10:414,000, G>A on the plus strand (C>T on the coding strand, the complement: DIP2C is on the minus strand). VCF-style: chr10-414000-G-A. GRCh37 (hg19) VCF-style: chr10-459940-G-A.
Identifiers: ClinVar variation 1242047 (VCV001242047.13), dbSNP rs4881274, ClinGen allele CA5381126.

ClinVar aggregate classification (germline): Benign. Review status: criteria provided, multiple submitters, no conflicts (2 of 4 stars). 4 submissions from 4 submitters: Benign (3). 1 of the submissions does not count toward it. Last evaluated 2026-02-04.

Conditions:
DIP2C-related disorder. Also called: DIP2C-related condition.

Allele frequency attached by ClinVar (database versions not stated): ESP Exome Variant Server 0.54690; gnomAD exomes 0.59345 and 0.56141; 1000 Genomes Project 0.62680; gnomAD 0.56148 and 0.56782; ExAC 0.59277; TOPMed 0.56882; 1000 Genomes Project 30x 0.62492.
gnomAD v4.1: 907,727 of 1,613,918 alleles (56%); highest among the groups gnomAD compares: East Asian, 71%; 257,171 homozygotes.

Submissions (4):

Labcorp Genetics (formerly Invitae), Labcorp
Classification: Benign. Last evaluated: 2026-02-04. Review status: criteria provided, single submitter. Criteria: Invitae Variant Classification Sherloc (09022015). Collection method: clinical testing. Allele origin: germline.

GeneDx
Classification: Benign. Last evaluated: 2019-10-15. Review status: criteria provided, single submitter. Criteria: GeneDx Variant Classification Process June 2021. Collection method: clinical testing. Allele origin: germline. Affected: yes.

Breakthrough Genomics
Classification: Benign. Review status: criteria provided, single submitter. Criteria: ACMG Guidelines, 2015. Collection method: not provided. Allele origin: germline. Inheritance: Unknown mechanism. Affected: yes.

PreventionGenetics, part of Exact Sciences
Classification: Benign for DIP2C-related condition. Last evaluated: 2019-10-16. Review status: no assertion criteria provided. Collection method: clinical testing. Allele origin: germline. Not counted in ClinVar's aggregate classification.
Comment: This variant is classified as benign based on ACMG/AMP sequence variant interpretation guidelines (Richards et al. 2015 PMID: 25741868, with internal and published modifications).